The following is an entry in ClinVar:

NM_005472.5(KCNE3):c.116C>G (p.Pro39Arg)

Gene: KCNE3 (potassium voltage-gated channel subfamily E regulatory subunit 3; minus strand). Cytogenetic location: 11q13.4.
Variant type: single nucleotide variant.
Coding change: c.116C>G on transcript NM_005472.5 (MANE Select); coding-DNA position 116, C replaced by G.
Protein change: p.Pro39Arg; replaces proline 39 with arginine.
Molecular consequence: missense variant.
Genome position (GRCh38, 1-based): chr11:74,457,448, G>C on the plus strand (C>G on the coding strand, the complement: KCNE3 is on the minus strand). VCF-style: chr11-74457448-G-C. GRCh37 (hg19) VCF-style: chr11-74168493-G-C.
Other names: short protein forms P39R.
Identifiers: ClinVar variation 582464 (VCV000582464.11), dbSNP rs34604640, ClinGen allele CA6184855.

ClinVar aggregate classification (germline): Conflicting classifications of pathogenicity. Review status: criteria provided, conflicting classifications (1 of 4 stars). 3 submissions from 3 submitters: Uncertain significance (2); Likely benign (1). Last evaluated 2025-08-24.

Conditions:
Brugada syndrome 6 (BRGDA6). Identifiers: Orphanet 130, MedGen C2751089, MONDO:0013145, OMIM 613119.
Cardiovascular phenotype. Identifiers: MedGen CN230736.

Allele frequency attached by ClinVar (database versions not stated): gnomAD exomes 0.00007 and 0.00010; ESP Exome Variant Server 0.00008; ExAC 0.00011; gnomAD 0.00014 and 0.00015; 1000 Genomes Project 30x 0.00016; TOPMed 0.00016; 1000 Genomes Project 0.00020.
gnomAD v4.1: 124 of 1,613,992 alleles (0.0077%); highest among the groups gnomAD compares: Middle Eastern, 0.049%; no homozygotes.

Submissions (3):

Labcorp Genetics (formerly Invitae), Labcorp
Classification: Uncertain significance for Brugada syndrome 6. Last evaluated: 2025-08-24. Review status: criteria provided, single submitter. Criteria: Invitae Variant Classification Sherloc (09022015). Collection method: clinical testing. Allele origin: germline.
Comment: This sequence change replaces proline, which is neutral and non-polar, with arginine, which is basic and polar, at codon 39 of the KCNE3 protein (p.Pro39Arg). This variant is present in population databases (rs34604640, gnomAD 0.02%). This missense change has been observed in individual(s) with long QT syndrome (PMID: 19306396). ClinVar contains an entry for this variant (Variation ID: 582464). An algorithm developed to predict the effect of missense changes on protein structure and function (PolyPhen-2) suggests that this variant is likely to be tolerated. Experimental studies have shown that this missense change does not substantially affect KCNE3 function (PMID: 19306396). In summary, the available evidence is currently insufficient to determine the role of this variant in disease. Therefore, it has been classified as a Variant of Uncertain Significance.

Ambry Genetics
Classification: Likely benign for Cardiovascular phenotype. Last evaluated: 2022-09-01. Review status: criteria provided, single submitter. Criteria: Ambry Variant Classification Scheme 2023. Collection method: clinical testing. Allele origin: germline.

Fulgent Genetics
Classification: Uncertain significance for Brugada syndrome 6. Last evaluated: 2021-08-23. Review status: criteria provided, single submitter. Criteria: ACMG Guidelines, 2015. Collection method: clinical testing. Allele origin: unknown.

Literature cited by the submitters: PubMed 19306396 (cited by Labcorp Genetics (formerly Invitae), Labcorp and Ambry Genetics).